The following is an entry in ClinVar:

ClinVar aggregate classification (germline): Uncertain significance (1 of 4 stars; one submission).

Conditions:
Inborn genetic diseases. Identifiers: MedGen C0950123, MeSH D030342.

Submission:

Ambry Genetics
Classification: Uncertain significance for Inborn genetic diseases. Last evaluated: 2021-06-04. Review status: criteria provided, single submitter. Criteria: Ambry Variant Classification Scheme 2023. Collection method: clinical testing. Allele origin: germline.
Comment: The c.2815G>T (p.G939C) alteration is located in exon 7 (coding exon 7) of the SETD1B gene. This alteration results from a G to T substitution at nucleotide position 2815, causing the glycine (G) at amino acid position 939 to be replaced by a cysteine (C). Based on data from the Genome Aggregation Database (gnomAD), the SETD1B c.2815G>T alteration was not observed, with coverage at this position. This amino acid position is highly conserved in available vertebrate species. The in silico prediction for the p.G939C alteration is inconclusive. Based on insufficient or conflicting evidence, the clinical significance of this alteration remains unclear.

NM_001353345.2(SETD1B):c.2815G>T (p.Gly939Cys)

Gene: SETD1B (SET domain containing 1B, histone lysine methyltransferase; plus strand). Cytogenetic location: 12q24.31.
Variant type: single nucleotide variant.
Coding change: c.2815G>T on transcript NM_001353345.2 (MANE Select); coding-DNA position 2815, G replaced by T.
Protein change: p.Gly939Cys; replaces glycine 939 with cysteine.
Molecular consequence: missense variant.
Genome position (GRCh38, 1-based): chr12:121,817,132, G>T. VCF-style: chr12-121817132-G-T. GRCh37 (hg19) VCF-style: chr12-122255038-G-T.
Other names: NM_015048.1:c.2815G>T; short protein forms G939C.
Identifiers: ClinVar variation 2210623 (VCV002210623.2), dbSNP rs2500211608, ClinGen allele CA386995506.